The following is an entry in ClinVar:

ClinVar aggregate classification (germline): Uncertain significance (1 of 4 stars; one submission).

Submission:

Labcorp Genetics (formerly Invitae), Labcorp
Classification: Uncertain significance. Last evaluated: 2025-04-08. Review status: criteria provided, single submitter. Criteria: Invitae Variant Classification Sherloc (09022015). Collection method: clinical testing. Allele origin: germline.
Comment: This sequence change replaces asparagine, which is neutral and polar, with tyrosine, which is neutral and polar, at codon 21 of the TCTEX1D2 protein (p.Asn21Tyr). The frequency data for this variant in the population databases is considered unreliable, as metrics indicate poor data quality at this position in the gnomAD database. This variant has not been reported in the literature in individuals affected with TCTEX1D2-related conditions. ClinVar contains an entry for this variant (Variation ID: 3683489). An algorithm developed to predict the effect of missense changes on protein structure and function (PolyPhen-2) suggests that this variant is likely to be tolerated. Algorithms developed to predict the effect of sequence changes on RNA splicing suggest that this variant may create or strengthen a splice site. In summary, the available evidence is currently insufficient to determine the role of this variant in disease. Therefore, it has been classified as a Variant of Uncertain Significance.

NM_152773.5(DYNLT2B):c.61A>T (p.Asn21Tyr)

Genes: DYNLT2B (dynein light chain Tctex-type 2B; minus strand), TM4SF19-DYNLT2B (TM4SF19-DYNLT2B readthrough (NMD candidate); minus strand), LOC129938285 (ATAC-STARR-seq lymphoblastoid active region 21087; plus strand). Cytogenetic location: 3q29.
Variant type: single nucleotide variant.
Coding change: c.61A>T on transcript NM_152773.5 (MANE Select); coding-DNA position 61, A replaced by T.
Protein change: p.Asn21Tyr; replaces asparagine 21 with tyrosine.
Molecular consequence: missense variant.
Genome position (GRCh38, 1-based): chr3:196,318,092, T>A on the plus strand (A>T on the coding strand, the complement: DYNLT2B is on the minus strand). VCF-style: chr3-196318092-T-A. GRCh37 (hg19) VCF-style: chr3-196044963-T-A.
Other names: c.61A>T, p.Asn21Tyr (NM_001351628.2); short protein forms N21Y.
Identifiers: ClinVar variation 3683489 (VCV003683489.2).